The following is an entry in ClinVar:

ClinVar aggregate classification (germline): Likely benign. Review status: criteria provided, multiple submitters, no conflicts (2 of 4 stars). 3 submissions from 3 submitters: Likely benign (3). Last evaluated 2026-01-05.

Allele frequency attached by ClinVar (database versions not stated): gnomAD 0.00026 and 0.00030; TOPMed 0.00034; ExAC 0.00042; gnomAD exomes 0.00044 and 0.00047; ESP Exome Variant Server 0.00046; 1000 Genomes Project 0.00060; 1000 Genomes Project 30x 0.00078.
gnomAD v4.1: 706 of 1,613,284 alleles (0.044%); highest among the groups gnomAD compares: Middle Eastern, 1.1%; 2 homozygotes.

Submissions (3):

Labcorp Genetics (formerly Invitae), Labcorp
Classification: Likely benign. Last evaluated: 2026-01-05. Review status: criteria provided, single submitter. Criteria: Invitae Variant Classification Sherloc (09022015). Collection method: clinical testing. Allele origin: germline.

CeGaT Center for Human Genetics Tuebingen
Classification: Likely benign. Last evaluated: 2025-09-01. Review status: criteria provided, single submitter. Criteria: CeGaT Center For Human Genetics Tuebingen Variant Classification Criteria Version 2. Collection method: clinical testing. Allele origin: germline. Affected: yes. Observed: 1 variant allele.
Comment: NNT: BP4, BP7

Breakthrough Genomics
Classification: Likely benign. Review status: criteria provided, single submitter. Criteria: ACMG Guidelines, 2015. Collection method: not provided. Allele origin: germline. Inheritance: Autosomal recessive inheritance. Affected: yes.

NM_182977.3(NNT):c.2865C>G (p.Gly955=)

Gene: NNT (nicotinamide nucleotide transhydrogenase; plus strand). Cytogenetic location: 5p12.
Variant type: single nucleotide variant.
Coding change: c.2865C>G on transcript NM_182977.3 (MANE Select); coding-DNA position 2865, C replaced by G.
Protein change: p.Gly955=; no amino-acid change (glycine 955 retained).
Molecular consequence: synonymous variant.
Genome position (GRCh38, 1-based): chr5:43,677,795, C>G. VCF-style: chr5-43677795-C-G. GRCh37 (hg19) VCF-style: chr5-43677897-C-G.
Other names: c.2472C>G, p.Gly824= (NM_001331026.2); c.2865C>G, p.Gly955= (NM_012343.4).
Identifiers: ClinVar variation 1638917 (VCV001638917.16), dbSNP rs149530103, ClinGen allele CA3258343.